The following is an entry in ClinVar:

NM_003126.4(SPTA1):c.1330T>G (p.Ser444Ala)

Gene: SPTA1 (spectrin alpha, erythrocytic 1; minus strand). Cytogenetic location: 1q23.1.
Variant type: single nucleotide variant.
Coding change: c.1330T>G on transcript NM_003126.4 (MANE Select); coding-DNA position 1330, T replaced by G.
Protein change: p.Ser444Ala; replaces serine 444 with alanine.
Molecular consequence: missense variant.
Genome position (GRCh38, 1-based): chr1:158,674,349, A>C on the plus strand (T>G on the coding strand, the complement: SPTA1 is on the minus strand). VCF-style: chr1-158674349-A-C. GRCh37 (hg19) VCF-style: chr1-158644139-A-C.
Other names: short protein forms S444A.
Identifiers: ClinVar variation 874035 (VCV000874035.5), dbSNP rs202138403, ClinGen allele CA1183826.

ClinVar aggregate classification (germline): Uncertain significance. Review status: criteria provided, multiple submitters, no conflicts (2 of 4 stars). 4 submissions from 2 submitters: Uncertain significance (4). Last evaluated 2024-11-04.

Conditions:
Hereditary spherocytosis type 3. Also called: Spherocytosis type 3; SPTA1-Related Spherocytosis. Identifiers: Orphanet 822, MedGen C2678338, MONDO:0010053, OMIM 270970.
Elliptocytosis 2 (EL2). Also called: ELLIPTOCYTOSIS, RHESUS-UNLINKED TYPE. Identifiers: Orphanet 288, MedGen C1851741, MONDO:0007533, OMIM 130600.
Pyropoikilocytosis, hereditary. Also called: Pyropoikilocytosis. Identifiers: MedGen C0520739, MONDO:0009948, OMIM 266140, HP:0004839. Disease mechanism: loss of function.

Allele frequency attached by ClinVar (database versions not stated): ExAC 0.00002; gnomAD 0.00003 and 0.00004; gnomAD exomes 0.00003; TOPMed 0.00003.
gnomAD v4.1: 127 of 1,613,964 alleles (0.0079%); highest among the groups gnomAD compares: Non-Finnish European, 0.011%; no homozygotes.

Submissions (4):

Revvity Omics, Revvity
Classification: Uncertain significance. Last evaluated: 2024-11-04. Review status: criteria provided, single submitter. Criteria: ACMG Guidelines, 2015. Collection method: clinical testing. Allele origin: germline.

Illumina Laboratory Services, Illumina
Classification: Uncertain significance for Hereditary spherocytosis type 3. Last evaluated: 2017-04-28. Review status: criteria provided, single submitter. Criteria: ICSL Variant Classification Criteria 13 December 2019. Collection method: clinical testing. Allele origin: germline.

Illumina Laboratory Services, Illumina
Classification: Uncertain significance for Elliptocytosis 2. Last evaluated: 2017-04-28. Review status: criteria provided, single submitter. Criteria: ICSL Variant Classification Criteria 13 December 2019. Collection method: clinical testing. Allele origin: germline.
Comment: This variant was observed as part of a predisposition screen in an ostensibly healthy population. A literature search was performed for the gene, cDNA change, and amino acid change (where applicable). Publications were found based on this search. However, the evidence from the literature, in combination with allele frequency data from public databases where available, was not sufficient to rule this variant in or out of causing disease. Therefore, this variant is classified as a variant of unknown significance.

Illumina Laboratory Services, Illumina
Classification: Uncertain significance for Pyropoikilocytosis, hereditary. Last evaluated: 2017-04-28. Review status: criteria provided, single submitter. Criteria: ICSL Variant Classification Criteria 13 December 2019. Collection method: clinical testing. Allele origin: germline.
Comment: the same text as in the submission from Illumina Laboratory Services, Illumina above.

Literature cited by the submitters: PubMed 21212007 (cited by Illumina Laboratory Services, Illumina).